The following is an entry in ClinVar:

NM_001134831.2(AHI1):c.1861G>T (p.Gly621Ter)

Gene: AHI1 (Abelson helper integration site 1; minus strand). Cytogenetic location: 6q23.3.
Variant type: single nucleotide variant.
Coding change: c.1861G>T on transcript NM_001134831.2 (MANE Select); coding-DNA position 1861, G replaced by T.
Protein change: p.Gly621Ter; replaces glycine 621 with a stop codon.
Molecular consequence: nonsense.
Genome position (GRCh38, 1-based): chr6:135,442,633, C>A on the plus strand (G>T on the coding strand, the complement: AHI1 is on the minus strand). VCF-style: chr6-135442633-C-A. GRCh37 (hg19) VCF-style: chr6-135763771-C-A.
Other names: c.1861G>T, p.Gly621Ter (NM_001134830.2, NM_001134832.2, NM_001350503.2 and 2 more transcripts); short protein forms G621*.
Identifiers: ClinVar variation 210113 (VCV000210113.15), dbSNP rs797045223, ClinGen allele CA277278.

ClinVar aggregate classification (germline): Pathogenic/Likely pathogenic. Review status: criteria provided, multiple submitters, no conflicts (2 of 4 stars). 5 submissions from 5 submitters: Pathogenic (3); Likely pathogenic (2). Last evaluated 2024-02-04.

Conditions:
AHI1-related disorder. Also called: AHI1-related condition.
Joubert syndrome 3 (JBTS3). Also called: AHI1-related Ciliopathy. Identifiers: Orphanet 220493, MedGen C1837713, MONDO:0012078, OMIM 608629.
Joubert syndrome. Also called: Familial aplasia of the vermis; JOUBERT-BOLTSHAUSER SYNDROME. Identifiers: Orphanet 475, MedGen C5979921, MONDO:0018772.

Allele frequency attached by ClinVar (database versions not stated): gnomAD exomes below 0.00001.
gnomAD v4.1: 1 of 1,609,672 alleles (0.000062%); highest among the groups gnomAD compares: Non-Finnish European, 0.000085%; no homozygotes.

Submissions (5):

Labcorp Genetics (formerly Invitae), Labcorp
Classification: Pathogenic for Joubert syndrome. Last evaluated: 2024-02-04. Review status: criteria provided, single submitter. Criteria: Invitae Variant Classification Sherloc (09022015). Collection method: clinical testing. Allele origin: germline.
Comment: This sequence change creates a premature translational stop signal (p.Gly621*) in the AHI1 gene. It is expected to result in an absent or disrupted protein product. Loss-of-function variants in AHI1 are known to be pathogenic (PMID: 15322546, 16453322, 28442542, 29186038). This variant is not present in population databases (gnomAD no frequency). This premature translational stop signal has been observed in individual(s) with Joubert syndrome and related disorders (Invitae). ClinVar contains an entry for this variant (Variation ID: 210113). For these reasons, this variant has been classified as Pathogenic.

Fulgent Genetics
Classification: Likely pathogenic for Joubert syndrome 3. Last evaluated: 2022-04-27. Review status: criteria provided, single submitter. Criteria: ACMG Guidelines, 2015. Collection method: clinical testing. Allele origin: unknown.

Blueprint Genetics
Classification: Likely pathogenic for AHI1-related disorders. Last evaluated: 2018-08-31. Review status: criteria provided, single submitter. Criteria: ACMG Guidelines, 2015. Collection method: clinical testing. Allele origin: germline. Affected: yes. Observed: 1 variant allele.

Genetic Services Laboratory, University of Chicago
Classification: Pathogenic for Joubert syndrome-3. Last evaluated: 2015-03-11. Review status: criteria provided, single submitter. Criteria: ACMG Guidelines, 2015. Collection method: clinical testing. Allele origin: germline. Affected: yes.

GeneDx
Classification: Pathogenic. Last evaluated: 2014-07-29. Review status: criteria provided, single submitter. Criteria: GeneDx Variant Classification (06012015). Collection method: clinical testing. Allele origin: germline. Affected: yes.
Comment: The G621X nonsense variant in the AHI1 gene is predicted to cause loss of normal protein function either through protein truncation or nonsense-mediated mRNA decay. Although this variant has not been reported previously to our knowledge, G621X is interpreted as a disease-causing variant

Literature cited by the submitters: PubMed 15322546 (cited by Labcorp Genetics (formerly Invitae), Labcorp); PubMed 16453322 (cited by Labcorp Genetics (formerly Invitae), Labcorp); PubMed 28442542 (cited by Labcorp Genetics (formerly Invitae), Labcorp); PubMed 29186038 (cited by Labcorp Genetics (formerly Invitae), Labcorp).